The following is an entry in ClinVar:

ClinVar aggregate classification (germline): Conflicting classifications of pathogenicity. Review status: criteria provided, conflicting classifications (1 of 4 stars). 9 submissions from 8 submitters: Uncertain significance (5); Likely benign (2). 2 of the submissions do not count toward it. Last evaluated 2026-06-01.

Conditions:
COL11A1-related disorder. Also called: COL11A1-related condition; COL11A1-related disorders.
Meniere disease. Also called: Ménière's disease. Identifiers: MedGen C0025281, MONDO:0007972, OMIM 156000.
Fibrochondrogenesis 1 (FBCG1). Identifiers: Orphanet 2021, MedGen C3278138, MONDO:0009226, OMIM 228520.
Stickler syndrome type 2 (STL2). Also called: STICKLER SYNDROME, BEADED VITREOUS TYPE; STICKLER SYNDROME, VITREOUS TYPE 2; COL11A1-Related Stickler Syndrome; STICKLER SYNDROME, TYPE II. Identifiers: Orphanet 828, Orphanet 90654, MedGen C1858084, MONDO:0011493, OMIM 604841.

Allele frequency attached by ClinVar (database versions not stated): gnomAD exomes 0.00019; ExAC 0.00026; gnomAD 0.00036 and 0.00038; TOPMed 0.00041; 1000 Genomes Project 0.00060; 1000 Genomes Project 30x 0.00062; ESP Exome Variant Server 0.00062.
gnomAD v4.1: 755 of 1,604,886 alleles (0.047%); highest among the groups gnomAD compares: Middle Eastern, 0.083%; no homozygotes.

Submissions (9):

CeGaT Center for Human Genetics Tuebingen
Classification: Uncertain significance. Last evaluated: 2026-06-01. Review status: criteria provided, single submitter. Criteria: CeGaT Center For Human Genetics Tuebingen Variant Classification Criteria Version 2. Collection method: clinical testing. Allele origin: germline. Affected: yes. Observed: 1 variant allele.

Labcorp Genetics (formerly Invitae), Labcorp
Classification: Likely benign. Last evaluated: 2026-01-12. Review status: criteria provided, single submitter. Criteria: Invitae Variant Classification Sherloc (09022015). Collection method: clinical testing. Allele origin: germline.

GeneDx
Classification: Uncertain significance. Last evaluated: 2025-10-14. Review status: criteria provided, single submitter. Criteria: GeneDx Variant Classification Process June 2021. Collection method: clinical testing. Allele origin: germline. Affected: yes.
Comment: Has not been previously published as pathogenic or benign to our knowledge; In silico analysis supports that this missense variant has a deleterious effect on protein structure/function; Not located in the triple helical region, where the majority of pathogenic missense variants occur (HGMD; PMID: 25240749); This variant is associated with the following publications: (PMID: 25240749)

Blueprint Genetics
Classification: Likely benign. Last evaluated: 2024-10-11. Review status: criteria provided, single submitter. Criteria: ACMG Guidelines, 2015. Collection method: clinical testing. Allele origin: germline.

Johns Hopkins Genomics, Johns Hopkins University
Classification: Uncertain significance for Stickler syndrome type 2. Last evaluated: 2020-12-09. Review status: criteria provided, single submitter. Criteria: ACMG Guidelines, 2015. Collection method: clinical testing. Allele origin: germline.
Comment: This COL11A1 variant (rs149558726) is rare (<0.1%) in a large population dataset (gnomAD: 57/275854 total alleles; 0.02%; no homozygotes) and has not been reported in the literature, to our knowledge. This variant has been reported in ClinVar. Three bioinformatic tools queried predict that this substitution would be damaging, and the arginine residue at this position is highly evolutionarily conserved across all species assessed. We consider the clinical significance of c.1427G>A to be uncertain at this time.

Illumina Laboratory Services, Illumina
Classification: Uncertain significance for Fibrochondrogenesis 1. Last evaluated: 2018-01-13. Review status: criteria provided, single submitter. Criteria: ICSL Variant Classification Criteria 13 December 2019. Collection method: clinical testing. Allele origin: germline.

Illumina Laboratory Services, Illumina
Classification: Uncertain significance for Stickler syndrome type 2. Last evaluated: 2018-01-13. Review status: criteria provided, single submitter. Criteria: ICSL Variant Classification Criteria 13 December 2019. Collection method: clinical testing. Allele origin: germline.

Center for Computational Biology & Bioinformatics, University of California, San Diego
Classification: Uncertain significance for Meniere disease. Last evaluated: 2024-06-03. Review status: no assertion criteria provided. Collection method: research. Allele origin: germline. Affected: yes. Not counted in ClinVar's aggregate classification.

PreventionGenetics, part of Exact Sciences
Classification: Uncertain significance for COL11A1-related condition. Last evaluated: 2024-04-11. Review status: no assertion criteria provided. Collection method: clinical testing. Allele origin: germline. Not counted in ClinVar's aggregate classification.
Comment: The COL11A1 c.1427G>A variant is predicted to result in the amino acid substitution p.Arg476His. To our knowledge, this variant has not been reported in the literature. This variant is reported in 0.050% of alleles in individuals of African descent in gnomAD. At this time, the clinical significance of this variant is uncertain due to the absence of conclusive functional and genetic evidence.

NM_001854.4(COL11A1):c.1427G>A (p.Arg476His)

Gene: COL11A1 (collagen type XI alpha 1 chain; minus strand). Cytogenetic location: 1p21.1.
Variant type: single nucleotide variant.
Coding change: c.1427G>A on transcript NM_001854.4 (MANE Select); coding-DNA position 1427, G replaced by A.
Protein change: p.Arg476His; replaces arginine 476 with histidine.
Molecular consequence: missense variant. On other transcripts: non-coding transcript variant (1).
Genome position (GRCh38, 1-based): chr1:103,015,729, C>T on the plus strand (G>A on the coding strand, the complement: COL11A1 is on the minus strand). VCF-style: chr1-103015729-C-T. GRCh37 (hg19) VCF-style: chr1-103481285-C-T.
Other names: c.1310G>A, p.Arg437His (NM_001190709.2); c.1463G>A, p.Arg488His (NM_080629.3); c.1079G>A, p.Arg360His (NM_080630.4); short protein forms R476H, R488H, R360H, R437H.
Identifiers: ClinVar variation 291535 (VCV000291535.27), dbSNP rs149558726, ClinGen allele CA974978.